The following is an entry in ClinVar:

ClinVar aggregate classification (germline): Uncertain significance. Review status: criteria provided, multiple submitters, no conflicts (2 of 4 stars). 3 submissions from 3 submitters: Uncertain significance (3). Last evaluated 2025-05-11.

Conditions:
Gorlin syndrome. Also called: Nevoid Basal Cell Carcinoma Syndrome; Basal cell nevus syndrome. Identifiers: Orphanet 377, MedGen C0004779, MONDO:0007187.
Hereditary cancer-predisposing syndrome. Also called: Tumor predisposition; Hereditary neoplastic syndrome; Neoplastic Syndromes, Hereditary; Hereditary Cancer Syndrome. Identifiers: Orphanet 140162, MedGen C0027672, MeSH D009386, MONDO:0015356.

Allele frequency attached by ClinVar (database versions not stated): TOPMed below 0.00001.

Submissions (3):

Ambry Genetics
Classification: Uncertain significance for Hereditary cancer-predisposing syndrome. Last evaluated: 2025-05-11. Review status: criteria provided, single submitter. Criteria: Ambry Variant Classification Scheme 2023. Collection method: clinical testing. Allele origin: germline.
Comment: The p.F88L variant (also known as c.262T>C), located in coding exon 2 of the PTCH1 gene, results from a T to C substitution at nucleotide position 262. The phenylalanine at codon 88 is replaced by leucine, an amino acid with highly similar properties. This amino acid position is conserved. In addition, this alteration is predicted to be deleterious by in silico analysis. Since supporting evidence is limited at this time, the clinical significance of this alteration remains unclear.

Labcorp Genetics (formerly Invitae), Labcorp
Classification: Uncertain significance for Gorlin syndrome. Last evaluated: 2024-07-25. Review status: criteria provided, single submitter. Criteria: Invitae Variant Classification Sherloc (09022015). Collection method: clinical testing. Allele origin: germline.
Comment: This sequence change replaces phenylalanine, which is neutral and non-polar, with leucine, which is neutral and non-polar, at codon 88 of the PTCH1 protein (p.Phe88Leu). This variant is not present in population databases (gnomAD no frequency). This variant has not been reported in the literature in individuals affected with PTCH1-related conditions. ClinVar contains an entry for this variant (Variation ID: 2497338). Advanced modeling of protein sequence and biophysical properties (such as structural, functional, and spatial information, amino acid conservation, physicochemical variation, residue mobility, and thermodynamic stability) performed at Invitae indicates that this missense variant is not expected to disrupt PTCH1 protein function with a negative predictive value of 95%. In summary, the available evidence is currently insufficient to determine the role of this variant in disease. Therefore, it has been classified as a Variant of Uncertain Significance.

GeneDx
Classification: Uncertain significance. Last evaluated: 2023-09-01. Review status: criteria provided, single submitter. Criteria: GeneDx Variant Classification Process June 2021. Collection method: clinical testing. Allele origin: germline. Affected: yes.
Comment: Not observed at significant frequency in large population cohorts (gnomAD); In silico analysis supports that this missense variant has a deleterious effect on protein structure/function; Has not been previously published as pathogenic or benign to our knowledge

NM_000264.5(PTCH1):c.262T>C (p.Phe88Leu)

Gene: PTCH1 (patched 1; minus strand). Cytogenetic location: 9q22.32.
Variant type: single nucleotide variant.
Coding change: c.262T>C on transcript NM_000264.5 (MANE Select); coding-DNA position 262, T replaced by C.
Protein change: p.Phe88Leu; replaces phenylalanine 88 with leucine.
Molecular consequence: missense variant. On other transcripts: 5 prime UTR variant (4), non-coding transcript variant (1).
Genome position (GRCh38, 1-based): chr9:95,506,539, A>G on the plus strand (T>C on the coding strand, the complement: PTCH1 is on the minus strand). VCF-style: chr9-95506539-A-G. GRCh37 (hg19) VCF-style: chr9-98268821-A-G.
Other names: c.64T>C, p.Phe22Leu (NM_001083602.3, NM_001354919.2); c.259T>C, p.Phe87Leu (NM_001083603.3); c.-192T>C (NM_001083604.3, NM_001083605.3, NM_001083606.3 and 1 more transcripts); c.262T>C, p.Phe88Leu (NM_001354918.2); short protein forms F88L, F22L, F87L.
Identifiers: ClinVar variation 2497338 (VCV002497338.6), dbSNP rs1843661935, ClinGen allele CA374120470.